The following is an entry in ClinVar:

NM_001349253.2(SCN11A):c.489G>T (p.Glu163Asp)

Gene: SCN11A (sodium voltage-gated channel alpha subunit 11; minus strand). Cytogenetic location: 3p22.2.
Variant type: single nucleotide variant.
Coding change: c.489G>T on transcript NM_001349253.2 (MANE Select); coding-DNA position 489, G replaced by T.
Protein change: p.Glu163Asp; replaces glutamic acid 163 with aspartic acid.
Molecular consequence: missense variant.
Genome position (GRCh38, 1-based): chr3:38,926,931, C>A on the plus strand (G>T on the coding strand, the complement: SCN11A is on the minus strand). VCF-style: chr3-38926931-C-A. GRCh37 (hg19) VCF-style: chr3-38968422-C-A.
Other names: c.489G>T, p.Glu163Asp (NM_014139.3); short protein forms E163D.
Identifiers: ClinVar variation 1051220 (VCV001051220.5), dbSNP rs774022892, ClinGen allele CA2322596.

ClinVar aggregate classification (germline): Uncertain significance (1 of 4 stars; one submission).

Conditions:
Hereditary sensory and autonomic neuropathy type 7. Also called: Neuropathy, hereditary sensory and autonomic, type VII; HSAN VII. Identifiers: Orphanet 391397, MedGen C3809882, MONDO:0014244, OMIM 615548.
Familial episodic pain syndrome with predominantly lower limb involvement. Also called: Episodic pain syndrome, familial, 3. Identifiers: Orphanet 391384, Orphanet 391392, MedGen C3809899, MONDO:0014247, OMIM 615552.

Allele frequency attached by ClinVar (database versions not stated): ExAC 0.00001.
gnomAD v4.1: 4 of 1,610,466 alleles (0.00025%); highest among the groups gnomAD compares: Non-Finnish European, 0.00025%; 1 homozygote.

Submission:

Labcorp Genetics (formerly Invitae), Labcorp
Classification: Uncertain significance for Familial episodic pain syndrome with predominantly lower limb involvement; Hereditary sensory and autonomic neuropathy type 7. Last evaluated: 2020-09-24. Review status: criteria provided, single submitter. Criteria: Invitae Variant Classification Sherloc (09022015). Collection method: clinical testing. Allele origin: germline.
Comment: This sequence change replaces glutamic acid with aspartic acid at codon 163 of the SCN11A protein (p.Glu163Asp). The glutamic acid residue is highly conserved and there is a small physicochemical difference between glutamic acid and aspartic acid. In summary, the available evidence is currently insufficient to determine the role of this variant in disease. Therefore, it has been classified as a Variant of Uncertain Significance. Algorithms developed to predict the effect of sequence changes on RNA splicing suggest that this variant may disrupt the consensus splice site, but this prediction has not been confirmed by published transcriptional studies. Algorithms developed to predict the effect of missense changes on protein structure and function are either unavailable or do not agree on the potential impact of this missense change (SIFT: "Tolerated"; PolyPhen-2: "Possibly Damaging"; Align-GVGD: "Class C0"). This variant has not been reported in the literature in individuals with SCN11A-related conditions. This variant is present in population databases (rs774022892, ExAC 0.002%).